The following is an entry in ClinVar:

ClinVar aggregate classification (germline): Uncertain significance (1 of 4 stars; one submission).

Submission:

Labcorp Genetics (formerly Invitae), Labcorp
Classification: Uncertain significance. Last evaluated: 2022-06-25. Review status: criteria provided, single submitter. Criteria: Invitae Variant Classification Sherloc (09022015). Collection method: clinical testing. Allele origin: germline.
Comment: In summary, the available evidence is currently insufficient to determine the role of this variant in disease. Therefore, it has been classified as a Variant of Uncertain Significance. Experimental studies and prediction algorithms are not available or were not evaluated, and the functional significance of this variant is currently unknown. This variant has not been reported in the literature in individuals affected with SI-related conditions. This variant is not present in population databases (gnomAD no frequency). This variant, c.4327_4356del, results in the deletion of 10 amino acid(s) of the SI protein (p.Ile1443_His1452del), but otherwise preserves the integrity of the reading frame.

NM_001041.4(SI):c.4327_4356del (p.Ile1443_His1452del)

Gene: SI (sucrase-isomaltase; minus strand). Cytogenetic location: 3q26.1.
Variant type: Deletion.
Coding change: c.4327_4356del on transcript NM_001041.4 (MANE Select); coding-DNA positions 4327 to 4356, 30 bases deleted (ATTCTTAGTGATGGAACATCAGTTTTGCAT).
Protein change: p.Ile1443_His1452del.
Molecular consequence: inframe deletion.
Genome position (GRCh38, 1-based): chr3:165,006,866-165,006,895, ATGCAAAACTGATGTTCCATCACTAAGAAT deleted on the plus strand (ATTCTTAGTGATGGAACATCAGTTTTGCAT on the coding strand, the reverse complement: SI is on the minus strand). VCF-style (leftmost placement, unchanged base first): chr3-165006865-AATGCAAAACTGATGTTCCATCACTAAGAAT-A. GRCh37 (hg19) VCF-style: chr3-164724653-AATGCAAAACTGATGTTCCATCACTAAGAAT-A.
Identifiers: ClinVar variation 2010662 (VCV002010662.4), dbSNP rs2473240800, ClinGen allele CA2580069016.